The following is an entry in ClinVar:

NM_001267550.2(TTN):c.103535C>T (p.Pro34512Leu)

Genes: TTN-AS1 (TTN antisense RNA 1; plus strand), TTN (titin; minus strand). Cytogenetic location: 2q31.2.
Variant type: single nucleotide variant.
Coding change: c.103535C>T on transcript NM_001267550.2 (MANE Select); coding-DNA position 103535, C replaced by T.
Protein change: p.Pro34512Leu; replaces proline 34512 with leucine.
Molecular consequence: missense variant.
Genome position (GRCh38, 1-based): chr2:178,533,080, G>A on the plus strand (C>T on the coding strand, the complement: TTN is on the minus strand). VCF-style: chr2-178533080-G-A. GRCh37 (hg19) VCF-style: chr2-179397807-G-A.
Other names: c.98612C>T, p.Pro32871Leu (NM_001256850.1); c.76340C>T, p.Pro25447Leu (NM_003319.4); c.95831C>T, p.Pro31944Leu (NM_133378.4); c.76715C>T, p.Pro25572Leu (NM_133432.3); c.76916C>T, p.Pro25639Leu (NM_133437.4); short protein forms P25447L, P25572L, P25639L, P31944L, P32871L, P34512L.
Identifiers: ClinVar variation 1002878 (VCV001002878.8), dbSNP rs762629564, ClinGen allele CA1985590.

ClinVar aggregate classification (germline): Uncertain significance (1 of 4 stars; one submission).

Conditions:
Dilated cardiomyopathy 1G (CMD1G). Identifiers: Orphanet 154, MedGen C1858763, MONDO:0011400, OMIM 604145.
Autosomal recessive limb-girdle muscular dystrophy type 2J (LGMDR10). Also called: Limb-girdle muscular dystrophy, type 2J; MUSCULAR DYSTROPHY, LIMB-GIRDLE, AUTOSOMAL RECESSIVE 10. Identifiers: Orphanet 140922, MedGen C1837342, MONDO:0012127, OMIM 608807.

Allele frequency attached by ClinVar (database versions not stated): gnomAD exomes 0.00001 and 0.00002; TOPMed 0.00001; ExAC 0.00002; gnomAD 0.00003 and 0.00004.

Submission:

Labcorp Genetics (formerly Invitae), Labcorp
Classification: Uncertain significance for Dilated cardiomyopathy 1G; Autosomal recessive limb-girdle muscular dystrophy type 2J. Last evaluated: 2026-01-21. Review status: criteria provided, single submitter. Criteria: Invitae Variant Classification Sherloc (09022015). Collection method: clinical testing. Allele origin: germline.
Comment: This sequence change replaces proline, which is neutral and non-polar, with leucine, which is neutral and non-polar, at codon 34512 of the TTN protein (p.Pro34512Leu). This variant is present in population databases (rs762629564, gnomAD 0.006%). This variant has not been reported in the literature in individuals affected with TTN-related conditions. ClinVar contains an entry for this variant (Variation ID: 1002878). Experimental studies and prediction algorithms are not available or were not evaluated, and the functional significance of this variant is currently unknown. This variant is located in the M band of TTN (PMID: 25589632). Non-truncating variants in this region may be relevant for neuromuscular disorders, but have not been definitively shown to cause cardiomyopathy (PMID: 23975875). In summary, the available evidence is currently insufficient to determine the role of this variant in disease. Therefore, it has been classified as a Variant of Uncertain Significance.

Literature cited by the submitters: PubMed 25589632; PubMed 23975875.